The following is an entry in ClinVar:

ClinVar aggregate classification (germline): Likely benign. Review status: criteria provided, multiple submitters, no conflicts (2 of 4 stars). 3 submissions from 3 submitters: Likely benign (3). Last evaluated 2026-01-28.

Conditions:
Wilson disease (WND). Also called: Wilson's disease. Identifiers: Orphanet 905, MedGen C0019202, MONDO:0010200, OMIM 277900. Disease mechanism: loss of function.

gnomAD v4.1: 18 of 1,614,014 alleles (0.0011%); highest among the groups gnomAD compares: Non-Finnish European, 0.0014%; no homozygotes.

Submissions (3):

Labcorp Genetics (formerly Invitae), Labcorp
Classification: Likely benign for Wilson disease. Last evaluated: 2026-01-28. Review status: criteria provided, single submitter. Criteria: Invitae Variant Classification Sherloc (09022015). Collection method: clinical testing. Allele origin: germline.

All of Us Research Program, National Institutes of Health
Classification: Likely benign for Wilson disease. Last evaluated: 2024-02-05. Review status: criteria provided, single submitter. Criteria: ACMG Guidelines, 2015. Collection method: clinical testing. Allele origin: germline. Inheritance: Autosomal recessive inheritance. Observed: 6 variant alleles, 6 heterozygotes.
Comment: This study involves interpretation of variants in research participants for the purpose of population health screening. Participant phenotype was not available at the time of variant classification. Additional details can be found in publication PMID: 35346344, PMCID: PMC8962531

Color Diagnostics, LLC DBA Color Health
Classification: Likely benign for Wilson disease. Last evaluated: 2022-04-22. Review status: criteria provided, single submitter. Criteria: ACMG Guidelines, 2015. Collection method: clinical testing. Allele origin: germline.

NM_000053.4(ATP7B):c.2787C>T (p.Ile929=)

Gene: ATP7B (ATPase copper transporting beta; minus strand). Cytogenetic location: 13q14.3.
Variant type: single nucleotide variant.
Coding change: c.2787C>T on transcript NM_000053.4 (MANE Select); coding-DNA position 2787, C replaced by T.
Protein change: p.Ile929=; no amino-acid change (isoleucine 929 retained).
Molecular consequence: synonymous variant. On other transcripts: intron variant (1).
Genome position (GRCh38, 1-based): chr13:51,949,740, G>A on the plus strand (C>T on the coding strand, the complement: ATP7B is on the minus strand). VCF-style: chr13-51949740-G-A. GRCh37 (hg19) VCF-style: chr13-52523876-G-A.
Other names: c.2454C>T, p.Ile818= (NM_001243182.2); c.2553C>T, p.Ile851= (NM_001330578.2); c.2535C>T, p.Ile845= (NM_001330579.2); c.2244+267C>T (NM_001005918.3).
Identifiers: ClinVar variation 1087858 (VCV001087858.10), dbSNP rs773527867, ClinGen allele CA250084863.